The following is an entry in ClinVar:

NM_017882.3(CLN6):c.669C>G (p.Tyr223Ter)

Gene: CLN6 (CLN6 transmembrane ER protein; minus strand). Cytogenetic location: 15q23.
Variant type: single nucleotide variant.
Coding change: c.669C>G on transcript NM_017882.3 (MANE Select); coding-DNA position 669, C replaced by G.
Protein change: p.Tyr223Ter; replaces tyrosine 223 with a stop codon.
Molecular consequence: nonsense.
Genome position (GRCh38, 1-based): chr15:68,208,407, G>C on the plus strand (C>G on the coding strand, the complement: CLN6 is on the minus strand). VCF-style: chr15-68208407-G-C. GRCh37 (hg19) VCF-style: chr15-68500745-G-C.
Other names: short protein forms Y223*.
Identifiers: ClinVar variation 977201 (VCV000977201.3), dbSNP rs374271754, ClinGen allele CA392972376.

ClinVar aggregate classification (germline): Pathogenic (1 of 4 stars; one submission).

Submission:

Greenwood Genetic Center Diagnostic Laboratories, Greenwood Genetic Center
Classification: Pathogenic. Last evaluated: 2020-07-14. Review status: criteria provided, single submitter. Criteria: ACMG Guidelines, 2015. Collection method: clinical testing. Allele origin: germline. Affected: yes.
Comment: PVS1, PM2, PM3